The following is an entry in ClinVar:

NM_015459.5(ATL3):c.1035+10G>A

Genes: ATL3 (atlastin GTPase 3; minus strand), LNCROPM (lncRNA regulator of PLAAT3 mediated phospholipid metabolism; plus strand). Cytogenetic location: 11q13.1.
Variant type: single nucleotide variant.
Coding change: c.1035+10G>A on transcript NM_015459.5 (MANE Select); 10 bases into the intron after coding-DNA position 1035, G replaced by A.
Molecular consequence: intron variant.
Genome position (GRCh38, 1-based): chr11:63,635,524, C>T on the plus strand (G>A on the coding strand, the complement: ATL3 is on the minus strand). VCF-style: chr11-63635524-C-T. GRCh37 (hg19) VCF-style: chr11-63402996-C-T.
Other names: c.981+10G>A (NM_001290048.2).
Identifiers: ClinVar variation 772805 (VCV000772805.13), dbSNP rs199945115, ClinGen allele CA6063617.

ClinVar aggregate classification (germline): Benign/Likely benign. Review status: criteria provided, multiple submitters, no conflicts (2 of 4 stars). 3 submissions from 3 submitters: Benign (1); Likely benign (2). Last evaluated 2025-11-11.

Conditions:
ATL3-related disorder. Also called: ATL3-related condition.
Neuropathy, hereditary sensory, type 1F. Also called: HSN IF; Hereditary sensory neuropathy type IF. Identifiers: Orphanet 36386, MedGen C3810194, MONDO:0014286, OMIM 615632.

Allele frequency attached by ClinVar (database versions not stated): gnomAD below 0.00001; TOPMed 0.00003; gnomAD exomes 0.00026; 1000 Genomes Project 30x 0.00047; 1000 Genomes Project 0.00060.
gnomAD v4.1: 380 of 1,609,506 alleles (0.024%); highest among the groups gnomAD compares: South Asian, 0.4%; 7 homozygotes.

Submissions (3):

PreventionGenetics, part of Exact Sciences
Classification: Likely benign for ATL3-related condition. Last evaluated: 2025-11-11. Review status: criteria provided, single submitter. Criteria: ACMG Guidelines, 2015. Collection method: clinical testing. Allele origin: germline.
Comment: This variant is classified as likely benign based on ACMG/AMP sequence variant interpretation guidelines (Richards et al. 2015 PMID: 25741868, with internal and published modifications).

Labcorp Genetics (formerly Invitae), Labcorp
Classification: Benign for Neuropathy, hereditary sensory, type 1F. Last evaluated: 2025-05-21. Review status: criteria provided, single submitter. Criteria: Invitae Variant Classification Sherloc (09022015). Collection method: clinical testing. Allele origin: germline.

Blueprint Genetics
Classification: Likely benign. Last evaluated: 2024-08-12. Review status: criteria provided, single submitter. Criteria: ACMG Guidelines, 2015. Collection method: clinical testing. Allele origin: germline.